The following is an entry in ClinVar:

ClinVar aggregate classification (germline): Conflicting classifications of pathogenicity. Review status: criteria provided, conflicting classifications (1 of 4 stars). 4 submissions from 4 submitters: Uncertain significance (1); Likely benign (3). Last evaluated 2026-01-22.

Conditions:
Joubert syndrome 17 (JBTS17). Identifiers: Orphanet 475, MedGen C3553264, MONDO:0013824, OMIM 614615.

Allele frequency attached by ClinVar (database versions not stated): gnomAD exomes 0.00020 and 0.00039; ESP Exome Variant Server 0.00023; TOPMed 0.00027; gnomAD 0.00029; ExAC 0.00030.
gnomAD v4.1: 352 of 1,603,844 alleles (0.022%); highest among the groups gnomAD compares: Non-Finnish European, 0.0044%; 2 homozygotes.

Submissions (4):

Labcorp Genetics (formerly Invitae), Labcorp
Classification: Likely benign. Last evaluated: 2026-01-22. Review status: criteria provided, single submitter. Criteria: Invitae Variant Classification Sherloc (09022015). Collection method: clinical testing. Allele origin: germline.

CeGaT Center for Human Genetics Tuebingen
Classification: Likely benign. Last evaluated: 2025-11-01. Review status: criteria provided, single submitter. Criteria: CeGaT Center For Human Genetics Tuebingen Variant Classification Criteria Version 2. Collection method: clinical testing. Allele origin: germline. Affected: yes. Observed: 2 variant alleles.
Comment: CPLANE1: BP4, BP7

Blueprint Genetics
Classification: Likely benign. Last evaluated: 2024-06-11. Review status: criteria provided, single submitter. Criteria: ACMG Guidelines, 2015. Collection method: clinical testing. Allele origin: germline.

Illumina Laboratory Services, Illumina
Classification: Uncertain significance for Joubert syndrome 17. Last evaluated: 2018-01-13. Review status: criteria provided, single submitter. Criteria: ICSL Variant Classification Criteria 13 December 2019. Collection method: clinical testing. Allele origin: germline.

NM_001384732.1(CPLANE1):c.7596A>G (p.Leu2532=)

Gene: CPLANE1 (ciliogenesis and planar polarity effector complex subunit 1; minus strand). Cytogenetic location: 5p13.2.
Variant type: single nucleotide variant.
Coding change: c.7596A>G on transcript NM_001384732.1 (MANE Select); coding-DNA position 7596, A replaced by G.
Protein change: p.Leu2532=; no amino-acid change (leucine 2532 retained).
Molecular consequence: synonymous variant.
Genome position (GRCh38, 1-based): chr5:37,162,559, T>C on the plus strand (A>G on the coding strand, the complement: CPLANE1 is on the minus strand). VCF-style: chr5-37162559-T-C. GRCh37 (hg19) VCF-style: chr5-37162661-T-C.
Other names: c.7596A>G, p.Leu2532= (NM_023073.4).
Identifiers: ClinVar variation 353431 (VCV000353431.38), dbSNP rs201502145, ClinGen allele CA3237996.